The following is an entry in ClinVar:

NM_152416.4(NDUFAF6):c.694C>A (p.Pro232Thr)

Gene: NDUFAF6 (NADH:ubiquinone oxidoreductase complex assembly factor 6; plus strand). Cytogenetic location: 8q22.1.
Variant type: single nucleotide variant.
Coding change: c.694C>A on transcript NM_152416.4 (MANE Select); coding-DNA position 694, C replaced by A.
Protein change: p.Pro232Thr; replaces proline 232 with threonine.
Molecular consequence: missense variant. On other transcripts: non-coding transcript variant (5).
Genome position (GRCh38, 1-based): chr8:95,047,107, C>A. VCF-style: chr8-95047107-C-A. GRCh37 (hg19) VCF-style: chr8-96059335-C-A.
Other names: c.418C>A, p.Pro140Thr (NM_001330582.2, NM_001354514.2, NM_001354515.2 and 1 more transcripts); c.538C>A, p.Pro180Thr (NM_001354516.2); c.361C>A, p.Pro121Thr (NM_001354517.2, NM_001354518.2, NM_001354519.2 and 1 more transcripts); c.238C>A, p.Pro80Thr (NM_001354522.2, NM_001354524.2, NM_001354525.2 and 7 more transcripts); short protein forms P121T, P140T, P180T, P232T, P80T.
Identifiers: ClinVar variation 2507351 (VCV002507351.2), dbSNP rs1193998170, ClinGen allele CA371746232.

ClinVar aggregate classification (germline): Conflicting classifications of pathogenicity. Review status: criteria provided, conflicting classifications (1 of 4 stars). 2 submissions from 2 submitters: Likely pathogenic (1); Uncertain significance (1). Last evaluated 2024-02-27.

Conditions:
Mitochondrial complex I deficiency, nuclear type 17. Also called: Mitochondrial complex 1 deficiency, nuclear type 17. Identifiers: MedGen C4748786, MONDO:0032622, OMIM 618239.

gnomAD v4.1: 1 of 1,614,112 alleles (0.000062%); highest among the groups gnomAD compares: Admixed American, 0.0017%; no homozygotes.

Submissions (2):

Service de Génétique Médicale, Centre Hospitalier Universitaire de Nice-Université Côte d'Azur
Classification: Likely pathogenic for Mitochondrial complex I deficiency, nuclear type 17. Last evaluated: 2024-02-27. Review status: criteria provided, single submitter. Criteria: ACMG Guidelines, 2015. Collection method: clinical testing. Allele origin: germline. Affected: yes.

GeneDx
Classification: Uncertain significance. Last evaluated: 2022-12-30. Review status: criteria provided, single submitter. Criteria: GeneDx Variant Classification Process June 2021. Collection method: clinical testing. Allele origin: germline. Affected: yes.
Comment: Not observed at significant frequency in large population cohorts (gnomAD); In silico analysis supports that this missense variant has a deleterious effect on protein structure/function; Has not been previously published as pathogenic or benign to our knowledge

Literature cited by the submitters: PubMed 38703036 (cited by Service de Génétique Médicale, Centre Hospitalier Universitaire de Nice-Université Côte d'Azur).